The following is an entry in ClinVar:

NM_001042492.3(NF1):c.3314+1G>T

Gene: NF1 (neurofibromin 1; plus strand). Cytogenetic location: 17q11.2.
Variant type: single nucleotide variant.
Coding change: c.3314+1G>T on transcript NM_001042492.3 (MANE Select); the canonical splice donor site of the intron after coding-DNA position 3314, G replaced by T.
Molecular consequence: splice donor variant.
Genome position (GRCh38, 1-based): chr17:31,232,190, G>T. VCF-style: chr17-31232190-G-T. GRCh37 (hg19) VCF-style: chr17-29559208-G-T.
Other names: c.3314+1G>T (NM_000267.4).
Identifiers: ClinVar variation 2744228 (VCV002744228.3), dbSNP rs767805288, ClinGen allele CA398988947.

ClinVar aggregate classification (germline): Pathogenic (1 of 4 stars; one submission).

Conditions:
Neurofibromatosis, type 1 (NF1). Also called: Peripheral type neurofibromatosis; NEUROFIBROMATOSIS, TYPE I, SOMATIC; VON RECKLINGHAUSEN DISEASE; Neurofibromatosis, type I. Identifiers: Orphanet 636, MedGen C0027831, MONDO:0018975, OMIM 162200. Disease mechanism: loss of function.

Submission:

Labcorp Genetics (formerly Invitae), Labcorp
Classification: Pathogenic for Neurofibromatosis, type 1. Last evaluated: 2025-02-03. Review status: criteria provided, single submitter. Criteria: Invitae Variant Classification Sherloc (09022015). Collection method: clinical testing. Allele origin: germline.
Comment: This sequence change affects a donor splice site in intron 25 of the NF1 gene. It is expected to disrupt RNA splicing. Variants that disrupt the donor or acceptor splice site typically lead to a loss of protein function (PMID: 16199547), and loss-of-function variants in NF1 are known to be pathogenic (PMID: 10712197, 23913538). This variant is not present in population databases (gnomAD no frequency). Disruption of this splice site has been observed in individual(s) with clinical features of neurofibromatosis type 1 (PMID: 31443423; internal data). ClinVar contains an entry for this variant (Variation ID: 2744228). Studies have shown that disruption of this splice site is associated with altered splicing resulting in multiple RNA products (internal data). For these reasons, this variant has been classified as Pathogenic.

Literature cited by the submitters: PubMed 16199547; PubMed 10712197; PubMed 23913538; PubMed 31443423.